The following is an entry in ClinVar:

ClinVar aggregate classification (germline): Uncertain significance. Review status: criteria provided, multiple submitters, no conflicts (2 of 4 stars). 3 submissions from 3 submitters: Uncertain significance (3). Last evaluated 2025-09-11.

Conditions:
Immunodeficiency 15a. Identifiers: Orphanet 700205, MedGen C4748694, MONDO:0032599, OMIM 618204.
Severe combined immunodeficiency due to IKK2 deficiency. Also called: Immunodeficiency 15; IMMUNODEFICIENCY 15B. Identifiers: Orphanet 397787, MedGen C4747743, MONDO:0014267, OMIM 615592.
Inborn genetic diseases. Identifiers: MedGen C0950123, MeSH D030342.

Allele frequency attached by ClinVar (database versions not stated): gnomAD 0.00001; gnomAD exomes below 0.00001; TOPMed below 0.00001.
gnomAD v4.1: 7 of 1,613,872 alleles (0.00043%); highest among the groups gnomAD compares: South Asian, 0.0011%; no homozygotes.

Submissions (3):

Ambry Genetics
Classification: Uncertain significance for Inborn genetic diseases. Last evaluated: 2025-09-11. Review status: criteria provided, single submitter. Criteria: Ambry Variant Classification Scheme 2023. Collection method: clinical testing. Allele origin: germline.

Labcorp Genetics (formerly Invitae), Labcorp
Classification: Uncertain significance for Severe combined immunodeficiency due to IKK2 deficiency. Last evaluated: 2024-04-16. Review status: criteria provided, single submitter. Criteria: Invitae Variant Classification Sherloc (09022015). Collection method: clinical testing. Allele origin: germline.
Comment: This sequence change replaces aspartic acid, which is acidic and polar, with glutamic acid, which is acidic and polar, at codon 391 of the IKBKB protein (p.Asp391Glu). This variant is not present in population databases (gnomAD no frequency). This variant has not been reported in the literature in individuals affected with IKBKB-related conditions. ClinVar contains an entry for this variant (Variation ID: 2166403). Advanced modeling of protein sequence and biophysical properties (such as structural, functional, and spatial information, amino acid conservation, physicochemical variation, residue mobility, and thermodynamic stability) performed at Invitae indicates that this missense variant is not expected to disrupt IKBKB protein function with a negative predictive value of 95%. In summary, the available evidence is currently insufficient to determine the role of this variant in disease. Therefore, it has been classified as a Variant of Uncertain Significance.

Neuberg Centre For Genomic Medicine, NCGM
Classification: Uncertain significance for Immunodeficiency 15a. Review status: criteria provided, single submitter. Criteria: ACMG Guidelines, 2015. Collection method: clinical testing. Allele origin: germline. Inheritance: Autosomal dominant inheritance. Affected: yes.
Comment: The c.1173C>A (p.Asp391Glu) missense variant in IKBKB gene has not been reported previously as a pathogenic variant nor as a benign variant, to our knowledge. The p.Asp391Glu variant is novel (not in any individuals) in gnomAD Exomes and 1000 Genomes. The amino acid Asp at position 391 is changed to a Glu changing protein sequence and it might alter its composition and physico-chemical properties. For these reasons, this variant has been classified as Variant of Uncertain Significance (VUS).

NM_001556.3(IKBKB):c.1173C>A (p.Asp391Glu)

Gene: IKBKB (inhibitor of nuclear factor kappa B kinase subunit beta; plus strand). Cytogenetic location: 8p11.21.
Variant type: single nucleotide variant.
Coding change: c.1173C>A on transcript NM_001556.3 (MANE Select); coding-DNA position 1173, C replaced by A.
Protein change: p.Asp391Glu; replaces aspartic acid 391 with glutamic acid.
Molecular consequence: missense variant. On other transcripts: non-coding transcript variant (2).
Genome position (GRCh38, 1-based): chr8:42,317,704, C>A. VCF-style: chr8-42317704-C-A. GRCh37 (hg19) VCF-style: chr8-42175222-C-A.
Other names: c.981C>A, p.Asp327Glu (NM_001190720.3); c.996C>A, p.Asp332Glu (NM_001242778.2); c.1173C>A (NM_001556.2); short protein forms D391E, D327E, D332E.
Identifiers: ClinVar variation 2166403 (VCV002166403.5), dbSNP rs762361603, ClinGen allele CA371086947.
Genomic context (GRCh38, chr8:42,317,704, plus strand): 5'-TGTCCCTTTGCAGTTAAATGAGGGCCACACATTGGACATGGATCTTGTTTTTCTCTTTGA[C>A]AACAGTAAAATCACCTATGAGACTCAGATCTCCCCACGGCCCCAACCTGAAAGTGTCAGC-3'
Protein context (NP_001547.1, residues 381-401): TLDMDLVFLF[Asp391Glu]NSKITYETQI